The following is an entry in ClinVar:

NM_000321.3(RB1):c.1532dup (p.Asp511fs)

Gene: RB1 (RB transcriptional corepressor 1; plus strand). Cytogenetic location: 13q14.2.
Variant type: Duplication.
Coding change: c.1532dup on transcript NM_000321.3 (MANE Select); coding-DNA position 1532, one base duplicated (A; older notation c.1532dupA).
Protein change: p.Asp511fs; shifts the reading frame from aspartic acid 511.
Molecular consequence: frameshift variant.
Genome position (GRCh38, 1-based): chr13:48,381,280, A duplicated. VCF-style (leftmost placement, unchanged base first): chr13-48381279-G-GA. GRCh37 (hg19) VCF-style: chr13-48955415-G-GA.
Other names: c.1532dupA (NM_000321.2); short protein forms D511fs.
Identifiers: ClinVar variation 1451735 (VCV001451735.8), dbSNP rs2138144988, ClinGen allele CA2573149614.

ClinVar aggregate classification (germline): Pathogenic. Review status: criteria provided, multiple submitters, no conflicts (2 of 4 stars). 3 submissions from 3 submitters: Pathogenic (3). Last evaluated 2025-07-16.

Conditions:
Retinoblastoma (RB1). Also called: RETINOBLASTOMA, SOMATIC. Identifiers: Orphanet 790, MedGen C0035335, MeSH D012175, MONDO:0008380, OMIM 180200, HP:0009919. Disease mechanism: loss of function. Inheritance: Both sporadic and heritable forms are tested..
Hereditary cancer-predisposing syndrome. Also called: Hereditary Cancer Syndrome; Hereditary neoplastic syndrome; Neoplastic Syndromes, Hereditary; Tumor predisposition. Identifiers: Orphanet 140162, MedGen C0027672, MeSH D009386, MONDO:0015356.

Submissions (3):

Ambry Genetics
Classification: Pathogenic for Hereditary cancer-predisposing syndrome. Last evaluated: 2025-07-16. Review status: criteria provided, single submitter. Criteria: Ambry Variant Classification Scheme 2023. Collection method: clinical testing. Allele origin: germline.
Comment: The c.1532dupA pathogenic mutation, located in coding exon 17 of the RB1 gene, results from a duplication of A at nucleotide position 1532, causing a translational frameshift with a predicted alternate stop codon (p.D511Efs*12). This variant was reported in individual(s) with features consistent with RB1-related hereditary retinoblastoma (Tu J et al. Proc Natl Acad Sci U S A, 2022 Apr;119:e2117857119). This variant is considered to be rare based on population cohorts in the Genome Aggregation Database (gnomAD). This alteration is expected to result in loss of function by premature protein truncation or nonsense-mediated mRNA decay. As such, this alteration is interpreted as a disease-causing mutation.

Molecular Pathology, Peter Maccallum Cancer Centre
Classification: Pathogenic for Retinoblastoma. Last evaluated: 2025-03-04. Review status: criteria provided, single submitter. Criteria: ACMG Guidelines, 2015. Collection method: clinical testing. Allele origin: germline. Inheritance: Autosomal dominant inheritance.

Labcorp Genetics (formerly Invitae), Labcorp
Classification: Pathogenic for Retinoblastoma. Last evaluated: 2021-03-31. Review status: criteria provided, single submitter. Criteria: Invitae Variant Classification Sherloc (09022015). Collection method: clinical testing. Allele origin: germline.
Comment: For these reasons, this variant has been classified as Pathogenic. This variant has not been reported in the literature in individuals with RB1-related conditions. This variant is not present in population databases (ExAC no frequency). This sequence change creates a premature translational stop signal (p.Asp511Glufs*12) in the RB1 gene. It is expected to result in an absent or disrupted protein product. Loss-of-function variants in RB1 are known to be pathogenic (PMID: 17096365).

Literature cited by the submitters: PubMed 35412907 (cited by Ambry Genetics); PubMed 17096365 (cited by Labcorp Genetics (formerly Invitae), Labcorp).